The following is an entry in ClinVar:

ClinVar aggregate classification (germline): Likely benign. Review status: criteria provided, multiple submitters, no conflicts (2 of 4 stars). 3 submissions from 3 submitters: Likely benign (3). Last evaluated 2025-05-23.

Conditions:
Familial thoracic aortic aneurysm and aortic dissection (TAAD). Also called: Thoracic aortic aneurysms and dissections. Identifiers: Orphanet 91387, MedGen C4707243, MONDO:0019625.
Adams-Oliver syndrome 5 (AOS5). Identifiers: Orphanet 974, MedGen C4014970, MONDO:0014459, OMIM 616028.

gnomAD v4.1: 19 of 1,592,414 alleles (0.0012%); highest among the groups gnomAD compares: Non-Finnish European, 0.0016%; no homozygotes.

Submissions (3):

Labcorp Genetics (formerly Invitae), Labcorp
Classification: Likely benign for Adams-Oliver syndrome 5. Last evaluated: 2025-05-23. Review status: criteria provided, single submitter. Criteria: Invitae Variant Classification Sherloc (09022015). Collection method: clinical testing. Allele origin: germline.

CeGaT Center for Human Genetics Tuebingen
Classification: Likely benign. Last evaluated: 2024-01-01. Review status: criteria provided, single submitter. Criteria: CeGaT Center For Human Genetics Tuebingen Variant Classification Criteria Version 2. Collection method: clinical testing. Allele origin: germline. Affected: yes. Observed: 1 variant allele.
Comment: NOTCH1: BP4, BP7

Ambry Genetics
Classification: Likely benign for Familial thoracic aortic aneurysm and aortic dissection. Last evaluated: 2016-03-16. Review status: criteria provided, single submitter. Criteria: Ambry Variant Classification Scheme 2023. Collection method: clinical testing. Allele origin: germline.

NM_017617.5(NOTCH1):c.7401G>T (p.Ser2467=)

Gene: NOTCH1 (notch receptor 1; minus strand). Cytogenetic location: 9q34.3.
Variant type: single nucleotide variant.
Coding change: c.7401G>T on transcript NM_017617.5 (MANE Select); coding-DNA position 7401, G replaced by T.
Protein change: p.Ser2467=; no amino-acid change (serine 2467 retained).
Molecular consequence: synonymous variant.
Genome position (GRCh38, 1-based): chr9:136,496,338, C>A on the plus strand (G>T on the coding strand, the complement: NOTCH1 is on the minus strand). VCF-style: chr9-136496338-C-A. GRCh37 (hg19) VCF-style: chr9-139390790-C-A.
Other names: c.7401G>T, p.Ser2467= (LRG_1122t1).
Identifiers: ClinVar variation 520037 (VCV000520037.27), dbSNP rs371306178, ClinGen allele CA467831709.
Genomic context (GRCh38, chr9:136,496,338, plus strand): 5'-CTGCGAGGGGGGCGTCAGGAACTGGGCTGCGGTCACGGGTGGGACCAGCGAGGATGGCAG[C>A]GACGTGGGCAGGGCGGGGCTCTCCTGGGGCAGAATAGTGTGCACCGCCAGGCTGCTGGGG-3'
Protein context (NP_060087.3, residues 2457-2477): LPQESPALPT[Ser2467=]LPSSLVPPVT